The following is an entry in ClinVar:

ClinVar aggregate classification (germline): Uncertain significance. Review status: criteria provided, multiple submitters, no conflicts (2 of 4 stars). 3 submissions from 3 submitters: Uncertain significance (3). Last evaluated 2023-08-18.

Conditions:
Hereditary cancer-predisposing syndrome. Also called: Tumor predisposition; Neoplastic Syndromes, Hereditary; Hereditary Cancer Syndrome; Hereditary neoplastic syndrome. Identifiers: Orphanet 140162, MedGen C0027672, MeSH D009386, MONDO:0015356.
Hereditary nonpolyposis colorectal neoplasms. Identifiers: MedGen C0009405, MeSH D003123.
Endometrial carcinoma. Also called: Endometrial carcinoma, somatic. Identifiers: MedGen C0476089, MONDO:0002447, OMIM 608089, HP:0012114.

Submissions (3):

Baylor Genetics
Classification: Uncertain significance for Endometrial carcinoma. Last evaluated: 2023-08-18. Review status: criteria provided, single submitter. Criteria: ACMG Guidelines, 2015. Collection method: clinical testing. Allele origin: unknown.

Labcorp Genetics (formerly Invitae), Labcorp
Classification: Uncertain significance for Hereditary nonpolyposis colorectal neoplasms. Last evaluated: 2022-11-08. Review status: criteria provided, single submitter. Criteria: Invitae Variant Classification Sherloc (09022015). Collection method: clinical testing. Allele origin: germline.
Comment: This sequence change replaces serine, which is neutral and polar, with phenylalanine, which is neutral and non-polar, at codon 1049 of the MSH6 protein (p.Ser1049Phe). This variant is not present in population databases (gnomAD no frequency). In summary, the available evidence is currently insufficient to determine the role of this variant in disease. Therefore, it has been classified as a Variant of Uncertain Significance. Advanced modeling of protein sequence and biophysical properties (such as structural, functional, and spatial information, amino acid conservation, physicochemical variation, residue mobility, and thermodynamic stability) performed at Invitae indicates that this missense variant is not expected to disrupt MSH6 protein function. This variant has not been reported in the literature in individuals affected with MSH6-related conditions.

Ambry Genetics
Classification: Uncertain significance for Hereditary cancer-predisposing syndrome. Last evaluated: 2021-03-24. Review status: criteria provided, single submitter. Criteria: Ambry Variant Classification Scheme 2023. Collection method: clinical testing. Allele origin: germline.
Comment: The p.S1049F variant (also known as c.3146C>T), located in coding exon 4 of the MSH6 gene, results from a C to T substitution at nucleotide position 3146. The serine at codon 1049 is replaced by phenylalanine, an amino acid with highly dissimilar properties. This amino acid position is not well conserved in available vertebrate species. In addition, the in silico prediction for this alteration is inconclusive. Since supporting evidence is limited at this time, the clinical significance of this alteration remains unclear.

NM_000179.3(MSH6):c.3146C>T (p.Ser1049Phe)

Gene: MSH6 (mutS homolog 6; plus strand). Cytogenetic location: 2p16.3.
Variant type: single nucleotide variant.
Coding change: c.3146C>T on transcript NM_000179.3 (MANE Select); coding-DNA position 3146, C replaced by T.
Protein change: p.Ser1049Phe; replaces serine 1049 with phenylalanine.
Molecular consequence: missense variant.
Genome position (GRCh38, 1-based): chr2:47,801,129, C>T. VCF-style: chr2-47801129-C-T. GRCh37 (hg19) VCF-style: chr2-48028268-C-T.
Other names: c.2240C>T, p.Ser747Phe (NM_001406811.1, NM_001406812.1, NM_001281493.2 and 6 more transcripts); c.3152C>T, p.Ser1051Phe (NM_001406813.1); c.2756C>T, p.Ser919Phe (NM_001281492.2); c.3242C>T, p.Ser1081Phe (NM_001406795.1, NM_001406802.1); c.3146C>T, p.Ser1049Phe (NM_001406796.1, NM_001406798.1, NM_001406800.1 and 2 more transcripts); c.2849C>T, p.Ser950Phe (NM_001406797.1, NM_001406801.1, NM_001406805.1 and 10 more transcripts); c.2621C>T, p.Ser874Phe (NM_001406799.1, NM_001406806.1, NM_001406807.1); c.3068C>T, p.Ser1023Phe (NM_001406804.1); and 2 more; short protein forms S1081F, S747F, S1023F, S874F, S993F, S1049F, S1051F, S364F.
Identifiers: ClinVar variation 1728130 (VCV001728130.6), dbSNP rs1395294066, ClinGen allele CA346756703.